The following is an entry in ClinVar:

NM_022437.3(ABCG8):c.1756+6G>C

Gene: ABCG8 (ATP binding cassette subfamily G member 8; plus strand). Cytogenetic location: 2p21.
Variant type: single nucleotide variant.
Coding change: c.1756+6G>C on transcript NM_022437.3 (MANE Select); 6 bases into the intron after coding-DNA position 1756, G replaced by C.
Molecular consequence: intron variant.
Genome position (GRCh38, 1-based): chr2:43,875,419, G>C. VCF-style: chr2-43875419-G-C. GRCh37 (hg19) VCF-style: chr2-44102558-G-C.
Other names: c.1753+6G>C (NM_001357321.2).
Identifiers: ClinVar variation 3045923 (VCV003045923.2), dbSNP rs375563605, ClinGen allele CA1637620.
Genomic context (GRCh38, chr2:43,875,419, plus strand): 5'-AACTCCTTCTACCTCGCCGGGGGCTTCATGATAAACTTGAGCAGCCTGTGGACAGGTAAG[G>C]CCTGCCCCCGGGGCCTGGGCCAGCTTTGTTAGGACTCATGTGACTGGATGAAGCCTGCTT-3'

ClinVar aggregate classification (germline): Likely benign (0 of 4 stars; one submission).

Conditions:
ABCG8-related disorder. Also called: ABCG8-related condition.

gnomAD v4.1: 39 of 1,611,530 alleles (0.0024%); highest among the groups gnomAD compares: South Asian, 0.035%; 3 homozygotes.

Submission:

PreventionGenetics, part of Exact Sciences
Classification: Likely benign for ABCG8-related condition. Last evaluated: 2023-07-12. Review status: no assertion criteria provided. Collection method: clinical testing. Allele origin: germline.
Comment: This variant is classified as likely benign based on ACMG/AMP sequence variant interpretation guidelines (Richards et al. 2015 PMID: 25741868, with internal and published modifications).